The following is an entry in ClinVar:

NM_001164508.2(NEB):c.18998del (p.Leu6333fs)

Gene: NEB (nebulin; minus strand). Cytogenetic location: 2q23.3.
Variant type: Deletion.
Coding change: c.18998del on transcript NM_001164508.2 (MANE Select); coding-DNA position 18998, one base deleted (T; older notation c.18998delT).
Protein change: p.Leu6333fs; shifts the reading frame from leucine 6333.
Molecular consequence: frameshift variant.
Genome position (GRCh38, 1-based): chr2:151,561,311, A deleted on the plus strand (T on the coding strand, the reverse complement: NEB is on the minus strand). VCF-style (leftmost placement, unchanged base first): chr2-151561310-TA-T. GRCh37 (hg19) VCF-style: chr2-152417824-TA-T.
Other names: c.18998del, p.Leu6333fs (NM_001164507.2, NM_001271208.2); c.13895del, p.Leu4632fs (NM_004543.5); short protein forms L6333fs, L4632fs.
Identifiers: ClinVar variation 5006087 (VCV005006087.2).
Genomic context (GRCh38, chr2:151,561,310, plus strand): 5'-GGGCGTGTCTGTGACCAGATTATAGTTTTGTAGATTTTCTTTACCTGCTGCTGTATATTG[TA>T]GCTGTGAAGAAAAACAAAAGTCATCAAAAATGGTAACATACAGGTCTGTCATCAGCTGTA-3'

ClinVar aggregate classification (germline): Likely pathogenic (1 of 4 stars; one submission).

Conditions:
Arthrogryposis multiplex congenita 6. Identifiers: MedGen C5543431, MONDO:0030281, OMIM 619334.
Nemaline myopathy 2 (NEM2). Also called: Nemaline myopathy 2, autosomal recessive. Identifiers: MedGen C1850569, MONDO:0009725, OMIM 256030.

Submission:

Juno Genomics, Hangzhou Juno Genomics, Inc
Classification: Likely pathogenic for Nemaline myopathy 2; Arthrogryposis multiplex congenita 6. Review status: criteria provided, single submitter. Criteria: ACMG Guidelines, 2015. Collection method: clinical testing. Allele origin: germline.
Comment: Null variant in a gene where loss of function (LOF) is a known mechanism of disease.;Absent from controls (or at extremely low frequency if recessive) in Genome Aggregation Database.